The following is an entry in ClinVar:

NM_015272.5(RPGRIP1L):c.3445dup (p.Ile1149fs)

Gene: RPGRIP1L (RPGRIP1 like; minus strand). Cytogenetic location: 16q12.2.
Variant type: Duplication.
Coding change: c.3445dup on transcript NM_015272.5 (MANE Select); coding-DNA position 3445, one base duplicated (A; older notation c.3445dupA).
Protein change: p.Ile1149fs; shifts the reading frame from isoleucine 1149.
Molecular consequence: frameshift variant.
Genome position (GRCh38, 1-based): chr16:53,619,196, T duplicated on the plus strand (A on the coding strand, the reverse complement: RPGRIP1L is on the minus strand); the first of 6 consecutive T bases (chr16:53,619,196-53,619,201); duplicating any one gives the same sequence. VCF-style (leftmost placement, unchanged base first): chr16-53619195-A-AT. GRCh37 (hg19) VCF-style: chr16-53653107-A-AT.
Other names: c.3205dup, p.Ile1069fs (NM_001127897.4); c.3307dup, p.Ile1103fs (NM_001308334.3); c.3343dup, p.Ile1115fs (NM_001330538.2); short protein forms I1069fs, I1103fs, I1115fs, I1149fs.
Identifiers: ClinVar variation 2948359 (VCV002948359.3), dbSNP rs2543791714, ClinGen allele CA2575994472.
Genomic context (GRCh38, chr16:53,619,195, plus strand): 5'-ATAGTGTCATCCATGGTTACTTGAGAATCATTAAGGCTTAGAGCTATGATCTCAATCCGA[A>AT]TTTTTTCTGATGGCTGTTTAAAGAGCAAAAACAAAAAACAACAAAGAAATAAAATAATTG-3'

ClinVar aggregate classification (germline): Pathogenic (1 of 4 stars; one submission).

Conditions:
Joubert syndrome. Also called: CEREBELLOPARENCHYMAL DISORDER IV; JOUBERT-BOLTSHAUSER SYNDROME; Familial aplasia of the vermis. Identifiers: Orphanet 475, MedGen C5979921, MONDO:0018772.
Meckel-Gruber syndrome. Also called: DYSENCEPHALIA SPLANCHNOCYSTICA; GRUBER SYNDROME; Dysencephalia splachnocystica. Identifiers: Orphanet 564, MedGen C0265215, MONDO:0018921.

Submission:

Labcorp Genetics (formerly Invitae), Labcorp
Classification: Pathogenic for Joubert syndrome; Meckel-Gruber syndrome. Last evaluated: 2023-09-03. Review status: criteria provided, single submitter. Criteria: Invitae Variant Classification Sherloc (09022015). Collection method: clinical testing. Allele origin: germline.
Comment: This sequence change creates a premature translational stop signal (p.Ile1149Asnfs*4) in the RPGRIP1L gene. It is expected to result in an absent or disrupted protein product. Loss-of-function variants in RPGRIP1L are known to be pathogenic (PMID: 17558409). For these reasons, this variant has been classified as Pathogenic. This variant has not been reported in the literature in individuals affected with RPGRIP1L-related conditions. This variant is not present in population databases (gnomAD no frequency).

Literature cited by the submitters: PubMed 17558409.